The following is an entry in ClinVar:

ClinVar aggregate classification (germline): Likely benign (0 of 4 stars; one submission).

Conditions:
ALMS1-related disorder. Also called: ALMS1-related condition.

Submission:

PreventionGenetics, part of Exact Sciences
Classification: Likely benign for ALMS1-related condition. Last evaluated: 2022-10-24. Review status: no assertion criteria provided. Collection method: clinical testing. Allele origin: germline.
Comment: This variant is classified as likely benign based on ACMG/AMP sequence variant interpretation guidelines (Richards et al. 2015 PMID: 25741868, with internal and published modifications).

NM_001378454.1(ALMS1):c.9312T>G (p.Ser3104Arg)

Gene: ALMS1 (ALMS1 centrosome and basal body associated protein; plus strand). Cytogenetic location: 2p13.1.
Variant type: single nucleotide variant.
Coding change: c.9312T>G on transcript NM_001378454.1 (MANE Select); coding-DNA position 9312, T replaced by G.
Protein change: p.Ser3104Arg; replaces serine 3104 with arginine.
Molecular consequence: missense variant.
Genome position (GRCh38, 1-based): chr2:73,491,271, T>G. VCF-style: chr2-73491271-T-G. GRCh37 (hg19) VCF-style: chr2-73718398-T-G.
Other names: c.9315T>G, p.Ser3105Arg (NM_015120.4); short protein forms S3104R, S3105R.
Identifiers: ClinVar variation 3353495 (VCV003353495.1).